The following is an entry in ClinVar:

NM_001010874.5(TECRL):c.302C>T (p.Pro101Leu)

Gene: TECRL (trans-2,3-enoyl-CoA reductase like; minus strand). Cytogenetic location: 4q13.1.
Variant type: single nucleotide variant.
Coding change: c.302C>T on transcript NM_001010874.5 (MANE Select); coding-DNA position 302, C replaced by T.
Protein change: p.Pro101Leu; replaces proline 101 with leucine.
Molecular consequence: missense variant.
Genome position (GRCh38, 1-based): chr4:64,328,541, G>A on the plus strand (C>T on the coding strand, the complement: TECRL is on the minus strand). VCF-style: chr4-64328541-G-A. GRCh37 (hg19) VCF-style: chr4-65194259-G-A.
Other names: c.302C>T, p.Pro101Leu (NM_001363796.1); short protein forms P101L.
Identifiers: ClinVar variation 4842219 (VCV004842219.1).

ClinVar aggregate classification (germline): Uncertain significance (1 of 4 stars; one submission).

Conditions:
Cardiovascular phenotype. Identifiers: MedGen CN230736.

Submission:

Ambry Genetics
Classification: Uncertain significance for Cardiovascular phenotype. Last evaluated: 2025-12-19. Review status: criteria provided, single submitter. Criteria: Ambry Variant Classification Scheme 2023. Collection method: clinical testing. Allele origin: germline.
Comment: The p.P101L variant (also known as c.302C>T), located in coding exon 3 of the TECRL gene, results from a C to T substitution at nucleotide position 302. The proline at codon 101 is replaced by leucine, an amino acid with similar properties. This amino acid position is conserved. In addition, the in silico prediction for this alteration is inconclusive. Based on the available evidence, the clinical significance of this variant remains unclear.